The following is an entry in ClinVar:

NM_018943.3(TUBA8):c.324C>T (p.Tyr108=)

Gene: TUBA8 (tubulin alpha 8; plus strand). Cytogenetic location: 22q11.21.
Variant type: single nucleotide variant.
Coding change: c.324C>T on transcript NM_018943.3 (MANE Select); coding-DNA position 324, C replaced by T.
Protein change: p.Tyr108=; no amino-acid change (tyrosine 108 retained).
Molecular consequence: synonymous variant.
Genome position (GRCh38, 1-based): chr22:18,124,253, C>T. VCF-style: chr22-18124253-C-T. GRCh37 (hg19) VCF-style: chr22-18607020-C-T.
Other names: c.126C>T, p.Tyr42= (NM_001193414.2).
Identifiers: ClinVar variation 160172 (VCV000160172.19), dbSNP rs2234327, ClinGen allele CA173767.

ClinVar aggregate classification (germline): Benign. Review status: criteria provided, multiple submitters, no conflicts (2 of 4 stars). 4 submissions from 4 submitters: Benign (3). 1 of the submissions does not count toward it. Last evaluated 2025-12-19.

Allele frequency attached by ClinVar (database versions not stated): gnomAD 0.00161 and 0.00115; TOPMed 0.00194; ExAC 0.00274; gnomAD exomes 0.00297 and 0.00077; 1000 Genomes Project 30x 0.00828; 1000 Genomes Project 0.00879.

Submissions (4):

Labcorp Genetics (formerly Invitae), Labcorp
Classification: Benign. Last evaluated: 2025-12-19. Review status: criteria provided, single submitter. Criteria: Invitae Variant Classification Sherloc (09022015). Collection method: clinical testing. Allele origin: germline.

Athena Diagnostics
Classification: Benign. Last evaluated: 2024-12-16. Review status: criteria provided, single submitter. Criteria: Athena Diagnostics Criteria. Collection method: clinical testing. Allele origin: unknown.
Comment: The frequency of this variant in the general population is higher than would generally be expected for pathogenic variants in this gene.

GeneDx
Classification: Benign. Last evaluated: 2018-03-30. Review status: criteria provided, single submitter. Criteria: GeneDx Variant Classification Process June 2021. Collection method: clinical testing. Allele origin: germline. Affected: yes.

Genetic Services Laboratory, University of Chicago
Classification: Likely benign. Review status: no assertion criteria provided. Collection method: clinical testing. Allele origin: germline. Inheritance: Autosomal recessive inheritance. Not counted in ClinVar's aggregate classification.
Comment: Likely benign based on allele frequency in 1000 Genomes Project or ESP global frequency and its presence in a patient with a rare or unrelated disease phenotype. NOT Sanger confirmed